The following is an entry in ClinVar:

ClinVar aggregate classification (germline): Pathogenic. Review status: criteria provided, multiple submitters, no conflicts (2 of 4 stars). 9 submissions from 9 submitters: Pathogenic (7). 2 of the submissions do not count toward it. Last evaluated 2026-04-20.

Conditions:
DDX3X-related disorder. Also called: DDX3X-related condition.
Intellectual disability, X-linked 102 (MRXSSB). Also called: Intellectual developmental disorder, X-linked syndromic, Snijders Blok type. Identifiers: Orphanet 457260, MedGen C5393299, MONDO:0010497, OMIM 300958.
Intellectual disability. Also called: intellectual disabilities; Intellectual functioning disability; Intellectual developmental disorder. Identifiers: MedGen C3714756, MeSH D008607, MONDO:0001071, HP:0001249.

Submissions (9):

Dasa
Classification: Pathogenic. Last evaluated: 2026-04-20. Review status: criteria provided, single submitter. Criteria: DASA Assertion Criteria. Collection method: clinical testing. Allele origin: germline.
Comment: NM_001356.5(DDX3X):c.1807C>T (p.Arg603*) introduces a premature termination codon predicted to result in loss of normal protein function. Loss-of-function is an established mechanism of disease for this gene. De novo occurrence has been reported in an individual with related phenotype. This variant has been recurrently observed in individuals with related phenotype (PMID: 36114283; PMID: 33258288; PMID: 32135084; PMID: 30349862). The variant is present at low frequency in population datasets. Based on the available data, this variant is classified as pathogenic.

GeneDx
Classification: Pathogenic. Last evaluated: 2023-06-01. Review status: criteria provided, single submitter. Criteria: GeneDx Variant Classification Process June 2021. Collection method: clinical testing. Allele origin: germline. Affected: yes.
Comment: Nonsense variant predicted to result in protein truncation or nonsense mediated decay in a gene for which loss of function is a known mechanism of disease; Not observed at significant frequency in large population cohorts (gnomAD); This variant is associated with the following publications: (PMID: 32135084, 33258288, 36114283, 30349862)

Broad Center for Mendelian Genomics, Broad Institute of MIT and Harvard
Classification: Pathogenic for Intellectual disability, X-linked 102. Last evaluated: 2023-05-02. Review status: criteria provided, single submitter. Criteria: ACMG Guidelines, 2015. Collection method: curation. Allele origin: germline. Inheritance: X-linked inheritance.
Comment: The p.Arg603Ter variant in DDX3X has been previously reported in 4 unrelated individuals with DDX3X-related neurodevelopmental disorder (PMID: 36114283, PMID: 33258288, PMID: 32135084, PMID: 30349862). The number of reported affected individuals with this variant is greater than expected compared to non-affected individuals with this variant. This variant was found to be de novo in 3 individuals with confirmed paternity and maternity (PMID: 36114283, PMID: 32135084, PMID: 30349862). This variant is assumed de novo in one individual, but paternity and maternity have not been confirmed (PMID: 33258288). This variant has also been reported in ClinVar (Variation ID: 280514) and has been interpreted as pathogenic by multiple submitters. This variant was absent from large population studies. This nonsense variant leads to a premature termination codon at position 603, which is predicted to lead to a truncated or absent protein. Loss of function of the DDX3X gene is strongly associated to X-linked DDX3X-related neurodevelopmental disorder. In summary, this variant meets criteria to be classified as pathogenic for X-linked DDX3X-related neurodevelopmental disorder. ACMG/AMP Criteria applied: PVS1_Strong, PS2, PS4_Moderate, PM2_Supporting, PM6_Supporting (Richards 2015).

Blueprint Genetics
Classification: Pathogenic for DDX3X-related disorders. Last evaluated: 2023-02-01. Review status: criteria provided, single submitter. Criteria: ACMG Guidelines, 2015. Collection method: clinical testing. Allele origin: germline. Affected: yes. Observed: 2 variant alleles.

Labcorp Genetics (formerly Invitae), Labcorp
Classification: Pathogenic. Last evaluated: 2023-01-08. Review status: criteria provided, single submitter. Criteria: Invitae Variant Classification Sherloc (09022015). Collection method: clinical testing. Allele origin: germline.
Comment: For these reasons, this variant has been classified as Pathogenic. ClinVar contains an entry for this variant (Variation ID: 280514). This premature translational stop signal has been observed in individual(s) with clinical features of X-linked intellectual disability (PMID: 30349862). This variant is not present in population databases (gnomAD no frequency). This sequence change creates a premature translational stop signal (p.Arg602*) in the DDX3X gene. It is expected to result in an absent or disrupted protein product. Loss-of-function variants in DDX3X are known to be pathogenic (PMID: 26235985).

Diagnostic Laboratory, Strasbourg University Hospital
Classification: Pathogenic for Intellectual disability. Last evaluated: 2020-09-10. Review status: criteria provided, single submitter. Criteria: ACMG Guidelines, 2015. Collection method: clinical testing. Allele origin: de novo. Affected: yes. Observed: 1 heterozygote.

MVZ Martinsried, Medicover Genetics
Classification: Pathogenic for Intellectual disability, X-linked 102. Last evaluated: 2018-10-04. Review status: criteria provided, single submitter. Criteria: ACMG Guidelines, 2015. Collection method: research. Allele origin: de novo. Affected: yes.

Genome Diagnostics Laboratory, Amsterdam University Medical Center
Classification: Pathogenic. Review status: no assertion criteria provided. Collection method: clinical testing. Allele origin: germline. Affected: yes. Study: VKGL Data-share Consensus. Not counted in ClinVar's aggregate classification.

Joint Genome Diagnostic Labs from Nijmegen and Maastricht, Radboudumc and MUMC+
Classification: Likely pathogenic. Review status: no assertion criteria provided. Collection method: clinical testing. Allele origin: germline. Affected: yes. Study: VKGL Data-share Consensus. Not counted in ClinVar's aggregate classification.

Literature cited by the submitters: PubMed 36114283 (cited by Dasa); PubMed 33258288 (cited by Dasa); PubMed 32135084 (cited by Dasa); PubMed 30349862 (cited by Dasa and Labcorp Genetics (formerly Invitae), Labcorp); PubMed 26235985 (cited by Labcorp Genetics (formerly Invitae), Labcorp).

NM_001356.5(DDX3X):c.1807C>T (p.Arg603Ter)

Gene: DDX3X (DEAD-box helicase 3 X-linked; plus strand). Cytogenetic location: Xp11.4.
Variant type: single nucleotide variant.
Coding change: c.1807C>T on transcript NM_001356.5 (MANE Select); coding-DNA position 1807, C replaced by T.
Protein change: p.Arg603Ter; replaces arginine 603 with a stop codon.
Molecular consequence: nonsense. On other transcripts: non-coding transcript variant (1).
Genome position (GRCh38, 1-based): chrX:41,347,349, C>T. VCF-style: chrX-41347349-C-T. GRCh37 (hg19) VCF-style: chrX-41206602-C-T.
Other names: NM_001356.5(DDX3X):c.1807C>T; p.Arg603Ter; c.1804C>T, p.Arg602Ter (NM_001193416.3); c.1759C>T, p.Arg587Ter (NM_001193417.3); c.1246C>T, p.Arg416Ter (NM_001363819.1); short protein forms R603*, R602*, R587*, R416*.
Identifiers: ClinVar variation 280514 (VCV000280514.18), dbSNP rs886041705, ClinGen allele CA10603593.
Genomic context (GRCh38, chrX:41,347,349, plus strand): 5'-CCAACATAATTTTTTTCTTATAGTAGCAGATTTAGTGGAGGGTTTGGTGCCAGAGACTAC[C>T]GACAAAGTAGCGGTGCCAGCAGTTCCAGCTTCAGCAGCAGCCGCGCAAGCAGCAGCCGCA-3'